The following is an entry in ClinVar:

ClinVar aggregate classification (germline): Uncertain significance (1 of 4 stars; one submission).

Conditions:
Intellectual developmental disorder, autosomal dominant 1. Also called: Intellectual disability, autosomal dominant 1; MBD5 Haploinsufficiency. Identifiers: Orphanet 228402, MedGen C1969562, MONDO:0007974, OMIM 156200.

Allele frequency attached by ClinVar (database versions not stated): gnomAD exomes below 0.00001.
gnomAD v4.1: 2 of 1,613,818 alleles (0.00012%); highest among the groups gnomAD compares: Non-Finnish European, 0.00017%; no homozygotes.

Submission:

Labcorp Genetics (formerly Invitae), Labcorp
Classification: Uncertain significance for Intellectual developmental disorder, autosomal dominant 1. Last evaluated: 2023-04-11. Review status: criteria provided, single submitter. Criteria: Invitae Variant Classification Sherloc (09022015). Collection method: clinical testing. Allele origin: germline.
Comment: This sequence change replaces valine, which is neutral and non-polar, with isoleucine, which is neutral and non-polar, at codon 90 of the MBD5 protein (p.Val90Ile). This variant is not present in population databases (gnomAD no frequency). This variant has not been reported in the literature in individuals affected with MBD5-related conditions. ClinVar contains an entry for this variant (Variation ID: 536666). Advanced modeling of protein sequence and biophysical properties (such as structural, functional, and spatial information, amino acid conservation, physicochemical variation, residue mobility, and thermodynamic stability) performed at Invitae indicates that this missense variant is not expected to disrupt MBD5 protein function. In summary, the available evidence is currently insufficient to determine the role of this variant in disease. Therefore, it has been classified as a Variant of Uncertain Significance.

NM_001378120.1(MBD5):c.268G>A (p.Val90Ile)

Gene: MBD5 (methyl-CpG binding domain protein 5; plus strand). Cytogenetic location: 2q23.1.
Variant type: single nucleotide variant.
Coding change: c.268G>A on transcript NM_001378120.1 (MANE Select); coding-DNA position 268, G replaced by A.
Protein change: p.Val90Ile; replaces valine 90 with isoleucine.
Molecular consequence: missense variant.
Genome position (GRCh38, 1-based): chr2:148,463,790, G>A. VCF-style: chr2-148463790-G-A. GRCh37 (hg19) VCF-style: chr2-149221359-G-A.
Other names: c.268G>A, p.Val90Ile (NM_018328.5); short protein forms V90I.
Identifiers: ClinVar variation 536666 (VCV000536666.9), dbSNP rs1329667912, ClinGen allele CA348716423.